The following is an entry in ClinVar:

ClinVar aggregate classification (germline): Uncertain significance (1 of 4 stars; one submission).

Conditions:
Cardiovascular phenotype. Identifiers: MedGen CN230736.

gnomAD v4.1: 1 of 1,178,877 alleles (0.000085%); highest among the groups gnomAD compares: East Asian, 0.0031%; no homozygotes.

Submission:

Ambry Genetics
Classification: Uncertain significance for Cardiovascular phenotype. Last evaluated: 2023-05-09. Review status: criteria provided, single submitter. Criteria: Ambry Variant Classification Scheme 2023. Collection method: clinical testing. Allele origin: germline.
Comment: The p.D1191E variant (also known as c.3573T>G), located in coding exon 26 of the DMD gene, results from a T to G substitution at nucleotide position 3573. The aspartic acid at codon 1191 is replaced by glutamic acid, an amino acid with highly similar properties. This amino acid position is not well conserved in available vertebrate species. In addition, this alteration is predicted to be tolerated by in silico analysis. Since supporting evidence is limited at this time, the clinical significance of this alteration remains unclear.

NM_004006.3(DMD):c.3573T>G (p.Asp1191Glu)

Gene: DMD (dystrophin; minus strand). Cytogenetic location: Xp21.1.
Variant type: single nucleotide variant.
Coding change: c.3573T>G on transcript NM_004006.3 (MANE Select); coding-DNA position 3573, T replaced by G.
Protein change: p.Asp1191Glu; replaces aspartic acid 1191 with glutamic acid.
Molecular consequence: missense variant.
Genome position (GRCh38, 1-based): chrX:32,454,692, A>C on the plus strand (T>G on the coding strand, the complement: DMD is on the minus strand). VCF-style: chrX-32454692-A-C. GRCh37 (hg19) VCF-style: chrX-32472809-A-C.
Other names: c.3549T>G, p.Asp1183Glu (NM_000109.4); c.3561T>G, p.Asp1187Glu (NM_004009.3); c.3204T>G, p.Asp1068Glu (NM_004010.3); short protein forms D1187E, D1183E, D1068E, D1191E.
Identifiers: ClinVar variation 2565097 (VCV002565097.2), dbSNP rs1205077446, ClinGen allele CA412662909.
Genomic context (GRCh38, chrX:32,454,692, plus strand): 5'-TTTACTTAGTTTTTCTTTTTTTTTTTTTACCTTCATCTCTTCAACTGCTTTCTGTAATTC[A>C]TCTGGAGTTTTATATTCAAAATCTCTCTCAAGATACTCTTCTTCAGCTTGTGTCATCCAT-3'
Protein context (NP_003997.2, residues 1181-1201): LERDFEYKTP[Asp1191Glu]ELQKAVEEMK